The following is an entry in ClinVar:

ClinVar aggregate classification (germline): Conflicting classifications of pathogenicity. Review status: criteria provided, conflicting classifications (1 of 4 stars). 7 submissions from 7 submitters: Uncertain significance (1); Benign (1); Likely benign (5). Last evaluated 2026-01-17.

Conditions:
Primary ciliary dyskinesia. Also called: Ciliary dyskinesia. Identifiers: Orphanet 244, MedGen C0008780, MONDO:0016575, HP:0012265.
Primary ciliary dyskinesia 3. Identifiers: Orphanet 244, MedGen C1837618, MONDO:0012085, OMIM 608644.

Allele frequency attached by ClinVar (database versions not stated): gnomAD exomes 0.00013 and 0.00045; ExAC 0.00061; gnomAD 0.00170 and 0.00185; TOPMed 0.00186; 1000 Genomes Project 0.00200; ESP Exome Variant Server 0.00208; 1000 Genomes Project 30x 0.00297.
gnomAD v4.1: 458 of 1,614,134 alleles (0.028%); highest among the groups gnomAD compares: African/African-American, 0.53%; 2 homozygotes.

Submissions (7):

Labcorp Genetics (formerly Invitae), Labcorp
Classification: Likely benign for Primary ciliary dyskinesia. Last evaluated: 2026-01-17. Review status: criteria provided, single submitter. Criteria: Invitae Variant Classification Sherloc (09022015). Collection method: clinical testing. Allele origin: germline.

Ambry Genetics
Classification: Benign for Primary ciliary dyskinesia. Last evaluated: 2025-09-15. Review status: criteria provided, single submitter. Criteria: Ambry Variant Classification Scheme 2023. Collection method: clinical testing. Allele origin: germline.

ARUP Laboratories, Molecular Genetics and Genomics, ARUP Laboratories
Classification: Likely benign for Primary ciliary dyskinesia 3. Last evaluated: 2024-10-18. Review status: criteria provided, single submitter. Criteria: ARUP Molecular Germline Variant Investigation Process 2024. Collection method: clinical testing. Allele origin: germline.

Eurofins Ntd Llc (ga)
Classification: Likely benign. Last evaluated: 2018-05-16. Review status: criteria provided, single submitter. Criteria: EGL ClinVar v180209 classification definitions. Collection method: clinical testing. Allele origin: germline. Observed: 1 variant allele, 1 heterozygote.

Illumina Laboratory Services, Illumina
Classification: Uncertain significance for Primary ciliary dyskinesia 3. Last evaluated: 2018-01-12. Review status: criteria provided, single submitter. Criteria: ICSL Variant Classification Criteria 13 December 2019. Collection method: clinical testing. Allele origin: germline.

Laboratory for Molecular Medicine, Mass General Brigham Personalized Medicine
Classification: Likely benign. Last evaluated: 2015-08-12. Review status: criteria provided, single submitter. Criteria: LMM Criteria. Collection method: clinical testing. Allele origin: germline. Observed: 1 variant allele.
Comment: p.Val3432Leu in exon 61 of DNAH5: This variant is not expected to have clinical significance because it has been identified in 0.7% (71/10404) of African chromo somes by the Exome Aggregation Consortium (ExAC; dbSNP rs143251588).

PreventionGenetics, part of Exact Sciences
Classification: Likely benign. Review status: criteria provided, single submitter. Criteria: ACMG Guidelines, 2015. Collection method: clinical testing. Allele origin: germline.

NM_001369.3(DNAH5):c.10294G>T (p.Val3432Leu)

Gene: DNAH5 (dynein axonemal heavy chain 5; minus strand). Cytogenetic location: 5p15.2.
Variant type: single nucleotide variant.
Coding change: c.10294G>T on transcript NM_001369.3 (MANE Select); coding-DNA position 10294, G replaced by T.
Protein change: p.Val3432Leu; replaces valine 3432 with leucine.
Molecular consequence: missense variant.
Genome position (GRCh38, 1-based): chr5:13,758,971, C>A on the plus strand (G>T on the coding strand, the complement: DNAH5 is on the minus strand). VCF-style: chr5-13758971-C-A. GRCh37 (hg19) VCF-style: chr5-13759080-C-A.
Other names: short protein forms V3432L.
Identifiers: ClinVar variation 227321 (VCV000227321.26), dbSNP rs143251588, ClinGen allele CA3202282.